The following is an entry in ClinVar:

NM_000939.4(POMC):c.276C>T (p.Ser92=)

Gene: POMC (proopiomelanocortin; minus strand). Cytogenetic location: 2p23.3.
Variant type: single nucleotide variant.
Coding change: c.276C>T on transcript NM_000939.4 (MANE Select); coding-DNA position 276, C replaced by T.
Protein change: p.Ser92=; no amino-acid change (serine 92 retained).
Molecular consequence: synonymous variant.
Genome position (GRCh38, 1-based): chr2:25,161,609, G>A on the plus strand (C>T on the coding strand, the complement: POMC is on the minus strand). VCF-style: chr2-25161609-G-A. GRCh37 (hg19) VCF-style: chr2-25384478-G-A.
Other names: c.276C>T, p.Ser92= (NM_001035256.3, NM_001319204.2, NM_001319205.2).
Identifiers: ClinVar variation 3351510 (VCV003351510.1).
Genomic context (GRCh38, chr2:25,161,609, plus strand): 5'-GTCTTCGCCCGCTGAGACGTCCTCGCGCTTCTGCCCTGCGCCGCTGCTGCCGCTGCTGCT[G>A]CTGTTGCGGCGGCCGAATCGGTCCCAGCGGAAGTGGCCCATGACGTACTTCCGGGGGTTC-3'
Protein context (NP_000930.1, residues 82-102): FRWDRFGRRN[Ser92=]SSSGSSGAGQ

ClinVar aggregate classification (germline): Likely benign (0 of 4 stars; one submission).

Conditions:
POMC-related disorder. Also called: POMC-related disorders; POMC-related condition.

gnomAD v4.1: 7 of 1,555,688 alleles (0.00045%); highest among the groups gnomAD compares: African/African-American, 0.0082%; no homozygotes.

Submission:

PreventionGenetics, part of Exact Sciences
Classification: Likely benign for POMC-related condition. Last evaluated: 2021-03-29. Review status: no assertion criteria provided. Collection method: clinical testing. Allele origin: germline.
Comment: This variant is classified as likely benign based on ACMG/AMP sequence variant interpretation guidelines (Richards et al. 2015 PMID: 25741868, with internal and published modifications).